The following is an entry in ClinVar:

NM_001134363.3(RBM20):c.441C>A (p.His147Gln)

Gene: RBM20 (RNA binding motif protein 20; plus strand). Cytogenetic location: 10q25.2.
Variant type: single nucleotide variant.
Coding change: c.441C>A on transcript NM_001134363.3 (MANE Select); coding-DNA position 441, C replaced by A.
Protein change: p.His147Gln; replaces histidine 147 with glutamine.
Molecular consequence: missense variant.
Genome position (GRCh38, 1-based): chr10:110,781,050, C>A. VCF-style: chr10-110781050-C-A. GRCh37 (hg19) VCF-style: chr10-112540808-C-A.
Other names: short protein forms H147Q.
Identifiers: ClinVar variation 44017 (VCV000044017.5), dbSNP rs397516619, ClinGen allele CA133387.
Genomic context (GRCh38, chr10:110,781,050, plus strand): 5'-GGCCATGTCCCAGCCTCTCTTCAATCAACTGAGGCATCCGTCTGTGATCACTGGCCCCCA[C>A]GGCCATGCTGGGGTTCCCCAACATGCTGCAGCCATACCCAGTACCCGGTTTCCCTCTAAT-3'
Protein context (NP_001127835.2, residues 137-157): LRHPSVITGP[His147Gln]GHAGVPQHAA

ClinVar aggregate classification (germline): Uncertain significance (1 of 4 stars; one submission).

Submission:

Laboratory for Molecular Medicine, Mass General Brigham Personalized Medicine
Classification: Uncertain significance. Last evaluated: 2012-12-06. Review status: criteria provided, single submitter. Criteria: LMM Criteria. Collection method: clinical testing. Allele origin: germline. Observed: 1 variant allele.
Comment: Variant classified as Uncertain Significance - Favor Benign. The His147Gln varia nt in RBM20 has not been reported in the literature nor previously identified by our laboratory. Histidine (His) at position 147 is poorly conserved in evolutio n, and this variant present in several species, suggesting that a change to this position may be tolerated. Although this data supports that the His147Gln varia nt may be benign, additional studies are needed to fully assess its clinical sig nificance.